The following is an entry in ClinVar:

NM_000228.3(LAMB3):c.673dup (p.Ala225fs)

Gene: LAMB3 (laminin subunit beta 3; minus strand). Cytogenetic location: 1q32.2.
Variant type: Duplication.
Coding change: c.673dup on transcript NM_000228.3 (MANE Select); coding-DNA position 673, one base duplicated (G; older notation c.673dupG).
Protein change: p.Ala225fs; shifts the reading frame from alanine 225.
Molecular consequence: frameshift variant.
Genome position (GRCh38, 1-based): chr1:209,632,732, C duplicated on the plus strand (G on the coding strand, the reverse complement: LAMB3 is on the minus strand); the first of 2 consecutive C bases (chr1:209,632,732-209,632,733); duplicating either gives the same sequence. VCF-style (leftmost placement, unchanged base first): chr1-209632731-G-GC. GRCh37 (hg19) VCF-style: chr1-209806076-G-GC.
Other names: c.673dup, p.Ala225fs (NM_001017402.2, NM_001127641.1); short protein forms A225fs.
Identifiers: ClinVar variation 5012090 (VCV005012090.1).

ClinVar aggregate classification (germline): Pathogenic (1 of 4 stars; one submission).

Conditions:
Junctional epidermolysis bullosa. Identifiers: Orphanet 305, MedGen C0079301, MONDO:0017612.

Submission:

Myriad Genetics, Inc.
Classification: Pathogenic for Junctional epidermolysis bullosa. Last evaluated: 2023-09-27. Review status: criteria provided, single submitter. Criteria: Myriad Autosomal Dominant, Autosomal Recessive and X-Linked Classification Criteria (2023). Collection method: clinical testing. Allele origin: unknown.
Comment: NM_000228.2(LAMB3):c.673dupG(A225Gfs*33) is expected to be pathogenic in the context of junctional epidermolysis bullosa, LAMB3-related. This variant is predicted to lead to an abnormal or absent protein product due to the creation of a premature termination codon in LAMB3, a gene where loss-of-function variants are known to be pathogenic. Please note: this variant was assessed in the context of healthy population screening.